The following is an entry in ClinVar:

NM_001267550.2(TTN):c.35314G>A (p.Glu11772Lys)

Gene: TTN (titin; minus strand). Cytogenetic location: 2q31.2.
Variant type: single nucleotide variant.
Coding change: c.35314G>A on transcript NM_001267550.2 (MANE Select); coding-DNA position 35314, G replaced by A.
Protein change: p.Glu11772Lys; replaces glutamic acid 11772 with lysine.
Molecular consequence: missense variant. On other transcripts: intron variant (3).
Genome position (GRCh38, 1-based): chr2:178,670,290, C>T on the plus strand (G>A on the coding strand, the complement: TTN is on the minus strand). VCF-style: chr2-178670290-C-T. GRCh37 (hg19) VCF-style: chr2-179535017-C-T.
Other names: c.31411G>A, p.Glu10471Lys (NM_133378.4); c.34192G>A, p.Glu11398Lys (NM_001256850.1); c.13283-27973G>A (NM_003319.4); c.13859-27973G>A (NM_133437.4); c.13658-27973G>A (NM_133432.3); short protein forms E10471K, E11772K, E11398K.
Identifiers: ClinVar variation 179985 (VCV000179985.5), dbSNP rs727505263, ClinGen allele CA185578.

ClinVar aggregate classification (germline): Uncertain significance (1 of 4 stars; one submission).

Allele frequency attached by ClinVar (database versions not stated): gnomAD 0.00001; gnomAD exomes 0.00001 and 0.00005; TOPMed 0.00001; ExAC 0.00002.
gnomAD v4.1: 64 of 1,475,604 alleles (0.0043%); highest among the groups gnomAD compares: Non-Finnish European, 0.0057%; no homozygotes.

Submission:

Laboratory for Molecular Medicine, Mass General Brigham Personalized Medicine
Classification: Uncertain significance. Last evaluated: 2014-09-05. Review status: criteria provided, single submitter. Criteria: LMM Criteria. Collection method: clinical testing. Allele origin: germline. Observed: 1 variant allele.
Comment: The Glu10471Lys variant in TTN has not been previously reported in individuals w ith cardiomyopathy or in large population studies. Computational prediction tool s and conservation analysis suggest that the Glu10471Lys variant may not impact the protein, though this information is not predictive enough to rule out pathog enicity. In summary, the clinical significance of the Glu10471Lys variant is unc ertain.